The following is an entry in ClinVar:

NM_001844.5(COL2A1):c.871-6C>T

Gene: COL2A1 (collagen type II alpha 1 chain; minus strand). Cytogenetic location: 12q13.11.
Variant type: single nucleotide variant.
Coding change: c.871-6C>T on transcript NM_001844.5 (MANE Select); 6 bases into the intron before coding-DNA position 871, C replaced by T.
Molecular consequence: intron variant.
Genome position (GRCh38, 1-based): chr12:47,993,868, G>A on the plus strand (C>T on the coding strand, the complement: COL2A1 is on the minus strand). VCF-style: chr12-47993868-G-A. GRCh37 (hg19) VCF-style: chr12-48387651-G-A.
Other names: c.664-6C>T (NM_033150.3); c.871-6C>T (NM_001844.4).
Identifiers: ClinVar variation 1087978 (VCV001087978.10), dbSNP rs1040791693, ClinGen allele CA236490711.

ClinVar aggregate classification (germline): Likely benign. Review status: criteria provided, multiple submitters, no conflicts (2 of 4 stars). 2 submissions from 2 submitters: Likely benign (2). Last evaluated 2026-08-10.

Conditions:
COL2A1-related disorder. Also called: COL2A1-related condition; COL2A1-related disorders.

Allele frequency attached by ClinVar (database versions not stated): gnomAD 0.00003; gnomAD exomes below 0.00001; TOPMed 0.00001.
gnomAD v4.1: 6 of 1,614,008 alleles (0.00037%); highest among the groups gnomAD compares: Admixed American, 0.0083%; no homozygotes.

Submissions (2):

PreventionGenetics, part of Exact Sciences
Classification: Likely benign for COL2A1-related condition. Last evaluated: 2026-08-10. Review status: criteria provided, single submitter. Criteria: ACMG Guidelines, 2015. Collection method: clinical testing. Allele origin: germline.
Comment: This variant is classified as likely benign based on ACMG/AMP sequence variant interpretation guidelines (Richards et al. 2015 PMID: 25741868, with internal and published modifications).

Labcorp Genetics (formerly Invitae), Labcorp
Classification: Likely benign. Last evaluated: 2025-10-22. Review status: criteria provided, single submitter. Criteria: Invitae Variant Classification Sherloc (09022015). Collection method: clinical testing. Allele origin: germline.